The following is an entry in ClinVar:

NM_001330078.2(NRXN1):c.2533C>T (p.His845Tyr)

Gene: NRXN1 (neurexin 1; minus strand). Cytogenetic location: 2p16.3.
Variant type: single nucleotide variant.
Coding change: c.2533C>T on transcript NM_001330078.2 (MANE Select); coding-DNA position 2533, C replaced by T.
Protein change: p.His845Tyr; replaces histidine 845 with tyrosine.
Molecular consequence: missense variant.
Genome position (GRCh38, 1-based): chr2:50,497,679, G>A on the plus strand (C>T on the coding strand, the complement: NRXN1 is on the minus strand). VCF-style: chr2-50497679-G-A. GRCh37 (hg19) VCF-style: chr2-50724817-G-A.
Other names: p.H885Y:CAT>TAT; p.His885Tyr; c.2653C>T, p.His885Tyr (NM_001135659.3); c.2509C>T, p.His837Tyr (NM_001330077.2, NM_001330082.2); c.2467C>T, p.His823Tyr (NM_001330083.2, NM_001330084.2); c.2506C>T, p.His836Tyr (NM_001330085.2); c.2533C>T, p.His845Tyr (NM_001330086.2, NM_004801.6); c.2422C>T, p.His808Tyr (NM_001330087.2, NM_001330096.2); and 4 more; short protein forms H885Y, H818Y, H828Y, H836Y, H841Y, H844Y, H808Y, H845Y.
Identifiers: ClinVar variation 206245 (VCV000206245.79), dbSNP rs199784139, ClinGen allele CA316137.

ClinVar aggregate classification (germline): Conflicting classifications of pathogenicity. Review status: criteria provided, conflicting classifications (1 of 4 stars). 16 submissions from 16 submitters: Uncertain significance (12); Likely benign (2). 2 of the submissions do not count toward it. Last evaluated 2026-10-23.

Conditions:
Inborn genetic diseases. Identifiers: MedGen C0950123, MeSH D030342.
Chromosome 2p16.3 deletion syndrome. Identifiers: MedGen C3808494, MONDO:0013696, OMIM 614332.
Pitt-Hopkins-like syndrome 2 (PTHSL2). Identifiers: Orphanet 221150, Orphanet 600663, MedGen C3280479, MONDO:0013690, OMIM 614325.

Allele frequency attached by ClinVar (database versions not stated): 1000 Genomes Project 0.00020; 1000 Genomes Project 30x 0.00031; gnomAD exomes 0.00051 and 0.00107; TOPMed 0.00056; ExAC 0.00060; gnomAD 0.00062 and 0.00064; ESP Exome Variant Server 0.00099.
gnomAD v4.1: 1,620 of 1,613,558 alleles (0.1%); highest among the groups gnomAD compares: Non-Finnish European, 0.13%; 2 homozygotes.

Submissions (16):

GeneDx
Classification: Uncertain significance. Last evaluated: 2026-10-23. Review status: criteria provided, single submitter. Criteria: GeneDx Variant Classification Process June 2021. Collection method: clinical testing. Allele origin: germline.
Comment: Reported in a patient with autism spectrum disorder, sibling with learning disabilities and their unaffected father, and in an unrelated individual with spastic paraplegia and epilepsy who was also a compound heterozygote for 2 variants in the ALDH18A1 gene (PMID: 23849776, 29754261); In silico analysis supports that this missense variant has a deleterious effect on protein structure/function; Missense variant in a gene in which most reported pathogenic variants are truncating/loss-of-function; This variant is associated with the following publications: (PMID: 29754261, 34168285, 23849776, 40223535)

Labcorp Genetics (formerly Invitae), Labcorp
Classification: Likely benign for Pitt-Hopkins-like syndrome 2. Last evaluated: 2026-02-01. Review status: criteria provided, single submitter. Criteria: Invitae Variant Classification Sherloc (09022015). Collection method: clinical testing. Allele origin: germline.

Athena Diagnostics
Classification: Likely benign. Last evaluated: 2024-12-26. Review status: criteria provided, single submitter. Criteria: Athena Diagnostics Criteria. Collection method: clinical testing. Allele origin: unknown.
Comment: The frequency of this variant in the general population is higher than would generally be expected for pathogenic variants in this gene.

Ambry Genetics
Classification: Uncertain significance for Inborn genetic diseases. Last evaluated: 2021-07-20. Review status: criteria provided, single submitter. Criteria: Ambry Variant Classification Scheme 2023. Collection method: clinical testing. Allele origin: germline.
Comment: The c.2653C>T (p.H885Y) alteration is located in exon 15 (coding exon 14) of the NRXN1 gene. This alteration results from a C to T substitution at nucleotide position 2653, causing the histidine (H) at amino acid position 885 to be replaced by a tyrosine (Y). The alteration is ultra rare in population databases:_x000D_ The NRXN1 c.2653C>T alteration was observed in 72 out of 120,252 total alleles studied (0.06%) in the Exome Aggregation Consortium (ExAC) database, with a frequency of 69/66,496 (0.1%) in the European (Non-Finnish) sub-population. Based on data from the NHLBI Exome Sequencing Project (ESP), the NRXN1 c.2653C>T alteration was observed in 12 among 12,074 total alleles studied (0.1%). Allele frequency data for this nucleotide position are not currently available from the 1000 Genomes Project. Rare missense alleles commonly exhibit a deleterious effect on protein function (Kryukov, 2007; Tennessen, 2012; please note that some variants may appear to be rare due to ethnic underrepresentation in the database)._x000D_ IF USED, PULL THESE INTO REFERENCES:_x000D_ Kryukov GV, et al. (2007) Am J Hum Genet 80:727-739. Tennessen JA, et al. (2012) Science 337(64):64-69. The alteration was found to be inherited from the brothers' unaffected father (Jiang, 2013). The altered amino acid is conserved throughout evolution:_x000D_ The p.H885 amino acid is conserved in available vertebrate species. In silico prediction is conflicting:_x000D_ The p.H885Y alteration is predicted to be probably damaging by Polyphen and tolerated by SIFT in silico analyses. Based on insufficient or conflicting evidence, the clinical significance of this alteration remains unclear.

Revvity Omics, Revvity
Classification: Uncertain significance for Pitt-Hopkins-like syndrome 2. Last evaluated: 2021-06-11. Review status: criteria provided, single submitter. Criteria: ACMG Guidelines, 2015. Collection method: clinical testing. Allele origin: germline.

Mayo Clinic Laboratories, Mayo Clinic
Classification: Uncertain significance. Last evaluated: 2021-05-04. Review status: criteria provided, single submitter. Criteria: ACMG Guidelines, 2015. Collection method: clinical testing. Allele origin: germline.

Fulgent Genetics
Classification: Uncertain significance for Pitt-Hopkins-like syndrome 2; Chromosome 2p16.3 deletion syndrome. Last evaluated: 2018-10-31. Review status: criteria provided, single submitter. Criteria: ACMG Guidelines, 2015. Collection method: clinical testing. Allele origin: unknown.

Baylor Genetics
Classification: Uncertain significance for Pitt-Hopkins-like syndrome 2. Last evaluated: 2018-06-28. Review status: criteria provided, single submitter. Criteria: ACMG Guidelines, 2015. Collection method: clinical testing. Allele origin: maternal. Affected: yes.
Comment: This variant was determined to be of uncertain significance according to ACMG Guidelines, 2015 [PMID:25741868].

CeGaT Center for Human Genetics Tuebingen
Classification: Uncertain significance. Last evaluated: 2017-06-01. Review status: criteria provided, single submitter. Criteria: CeGaT Center For Human Genetics Tuebingen Variant Classification Criteria Version 2. Collection method: clinical testing. Allele origin: germline. Affected: yes. Observed: 1 variant allele.

Illumina Laboratory Services, Illumina
Classification: Uncertain significance for Pitt-Hopkins-like syndrome 2. Last evaluated: 2017-04-28. Review status: criteria provided, single submitter. Criteria: ICSL Variant Classification Criteria 13 December 2019. Collection method: clinical testing. Allele origin: germline.
Comment: This variant was observed as part of a predisposition screen in an ostensibly healthy population. A literature search was performed for the gene, cDNA change, and amino acid change (where applicable). Publications were found based on this search. However, the evidence from the literature, in combination with allele frequency data from public databases where available, was not sufficient to rule this variant in or out of causing disease. Therefore, this variant is classified as a variant of unknown significance.

Eurofins Ntd Llc (ga)
Classification: Uncertain significance. Last evaluated: 2016-12-14. Review status: criteria provided, single submitter. Criteria: EGL Classification Definitions 2015. Collection method: clinical testing. Allele origin: germline. Observed: 1 variant allele, 1 heterozygote.

Genetic Services Laboratory, University of Chicago
Classification: Uncertain significance. Last evaluated: 2015-09-22. Review status: criteria provided, single submitter. Criteria: ACMG Guidelines, 2015. Collection method: clinical testing. Allele origin: germline. Affected: no.

ARUP Laboratories, Molecular Genetics and Genomics, ARUP Laboratories
Classification: Uncertain significance. Review status: criteria provided, single submitter. Criteria: ARUP Molecular Germline Variant Investigation Process 2024. Collection method: clinical testing. Allele origin: germline.

Center for Genomics, Ann and Robert H. Lurie Children's Hospital of Chicago
Classification: Uncertain significance for Pitt-Hopkins-like syndrome 2; Chromosome 2p16.3 deletion syndrome. Review status: criteria provided, single submitter. Criteria: ACMG Guidelines, 2015. Collection method: clinical testing. Allele origin: germline.
Comment: NRXN1 NM_001135659.2 exon 15 p.His885Tyr (c.2653C>T): This variant has been reported in the literature in at least 1 individual with autism spectrum disorder (ASD), segregating with disease in 1 affected family member. However, this family member did not meet clinical criteria for ASD (Jiang 2013 PMID:23849776). This variant is present in 0.1% (78/68024) of European alleles in the Genome Aggregation Database. This variant is present in ClinVar (Variation ID:20245). Evolutionary conservation suggests that this variant may impact the protein; computational predictive tools for this variant are unclear. In summary, data on this variant is insufficient for disease classification. Therefore, the clinical significance of this variant is uncertain.

Clinical Genetics DNA and cytogenetics Diagnostics Lab, Erasmus MC, Erasmus Medical Center
Classification: Uncertain significance. Review status: no assertion criteria provided. Collection method: clinical testing. Allele origin: germline. Affected: yes. Study: VKGL Data-share Consensus. Not counted in ClinVar's aggregate classification.

Diagnostic Laboratory, Department of Genetics, University Medical Center Groningen
Classification: Uncertain significance. Review status: no assertion criteria provided. Collection method: clinical testing. Allele origin: germline. Affected: yes. Study: VKGL Data-share Consensus. Not counted in ClinVar's aggregate classification.

Literature cited by the submitters: PubMed 23849776 (cited by 3 submitters); PubMed 38756210 (cited by Athena Diagnostics); PubMed 35627176 (cited by Athena Diagnostics); PubMed 29754261 (cited by Athena Diagnostics); PubMed 33818307 (cited by Athena Diagnostics).